The following is an entry in ClinVar:

ClinVar aggregate classification (germline): Uncertain significance (1 of 4 stars; one submission).

Submission:

Labcorp Genetics (formerly Invitae), Labcorp
Classification: Uncertain significance. Last evaluated: 2022-08-16. Review status: criteria provided, single submitter. Criteria: Invitae Variant Classification Sherloc (09022015). Collection method: clinical testing. Allele origin: germline.
Comment: In summary, the available evidence is currently insufficient to determine the role of this variant in disease. Therefore, it has been classified as a Variant of Uncertain Significance. This variant is not present in population databases (gnomAD no frequency). Algorithms developed to predict the effect of missense changes on protein structure and function (SIFT, PolyPhen-2, Align-GVGD) all suggest that this variant is likely to be tolerated. This variant has not been reported in the literature in individuals affected with CYB5R3-related conditions. This sequence change replaces isoleucine, which is neutral and non-polar, with methionine, which is neutral and non-polar, at codon 169 of the CYB5R3 protein (p.Ile169Met).

NM_000398.7(CYB5R3):c.507C>G (p.Ile169Met)

Gene: CYB5R3 (cytochrome b5 reductase 3; minus strand). Cytogenetic location: 22q13.2.
Variant type: single nucleotide variant.
Coding change: c.507C>G on transcript NM_000398.7 (MANE Select); coding-DNA position 507, C replaced by G.
Protein change: p.Ile169Met; replaces isoleucine 169 with methionine.
Molecular consequence: missense variant.
Genome position (GRCh38, 1-based): chr22:42,627,645, G>C on the plus strand (C>G on the coding strand, the complement: CYB5R3 is on the minus strand). VCF-style: chr22-42627645-G-C. GRCh37 (hg19) VCF-style: chr22-43023651-G-C.
Other names: c.507C>G, p.Ile169Met (NM_001031678.1); c.438C>G, p.Ile146Met (NM_001129819.2, NM_001171661.1, NM_007326.4); c.606C>G, p.Ile202Met (NM_001171660.2); short protein forms I146M, I169M, I202M.
Identifiers: ClinVar variation 1716545 (VCV001716545.5), dbSNP rs1928355620, ClinGen allele CA411798311.